The following is an entry in ClinVar:

NM_001128225.3(SLC39A13):c.584G>A (p.Gly195Asp)

Gene: SLC39A13 (solute carrier family 39 member 13; plus strand). Cytogenetic location: 11p11.2.
Variant type: single nucleotide variant.
Coding change: c.584G>A on transcript NM_001128225.3 (MANE Select); coding-DNA position 584, G replaced by A.
Protein change: p.Gly195Asp; replaces glycine 195 with aspartic acid.
Molecular consequence: missense variant. On other transcripts: non-coding transcript variant (1).
Genome position (GRCh38, 1-based): chr11:47,413,446, G>A. VCF-style: chr11-47413446-G-A. GRCh37 (hg19) VCF-style: chr11-47434997-G-A.
Other names: c.584G>A, p.Gly195Asp (NM_001330245.2, NM_152264.5); short protein forms G195D.
Identifiers: ClinVar variation 450596 (VCV000450596.12), dbSNP rs750069673, ClinGen allele CA5975832.

ClinVar aggregate classification (germline): Uncertain significance. Review status: criteria provided, multiple submitters, no conflicts (2 of 4 stars). 3 submissions from 3 submitters: Uncertain significance (3). Last evaluated 2024-06-27.

Conditions:
Connective tissue disorder. Also called: Connective tissue disease. Identifiers: MedGen C0009782, MONDO:0003900.
Ehlers-Danlos syndrome, spondylodysplastic type, 3. Also called: Ehlers-Danlos syndrome, spondylocheirodysplastic type. Identifiers: Orphanet 157965, MedGen C2676510, MONDO:0012873, OMIM 612350.

Allele frequency attached by ClinVar (database versions not stated): gnomAD exomes 0.00001 and 0.00002; TOPMed 0.00001; ExAC 0.00003.

Submissions (3):

GeneDx
Classification: Uncertain significance. Last evaluated: 2024-06-27. Review status: criteria provided, single submitter. Criteria: GeneDx Variant Classification Process June 2021. Collection method: clinical testing. Allele origin: germline. Affected: yes.
Comment: Not observed at significant frequency in large population cohorts (gnomAD); In silico analysis indicates that this missense variant does not alter protein structure/function; Has not been previously published as pathogenic or benign to our knowledge

Labcorp Genetics (formerly Invitae), Labcorp
Classification: Uncertain significance for Ehlers-Danlos syndrome, spondylodysplastic type, 3. Last evaluated: 2022-07-25. Review status: criteria provided, single submitter. Criteria: Invitae Variant Classification Sherloc (09022015). Collection method: clinical testing. Allele origin: germline.
Comment: This sequence change replaces glycine, which is neutral and non-polar, with aspartic acid, which is acidic and polar, at codon 195 of the SLC39A13 protein (p.Gly195Asp). This variant is present in population databases (rs750069673, gnomAD 0.004%). This variant has not been reported in the literature in individuals affected with SLC39A13-related conditions. ClinVar contains an entry for this variant (Variation ID: 450596). Algorithms developed to predict the effect of missense changes on protein structure and function (SIFT, PolyPhen-2, Align-GVGD) all suggest that this variant is likely to be tolerated. In summary, the available evidence is currently insufficient to determine the role of this variant in disease. Therefore, it has been classified as a Variant of Uncertain Significance.

Genome Diagnostics Laboratory, The Hospital for Sick Children
Classification: Uncertain significance for Connective tissue disorder. Last evaluated: 2022-03-11. Review status: criteria provided, single submitter. Criteria: ACMG Guidelines, 2015. Collection method: clinical testing. Allele origin: germline.